The following is an entry in ClinVar:

ClinVar aggregate classification (germline): Pathogenic. Review status: criteria provided, multiple submitters, no conflicts (2 of 4 stars). 2 submissions from 2 submitters: Pathogenic (2). Last evaluated 2019-08-28.

Conditions:
Intellectual disability, X-linked 102 (MRXSSB). Also called: Intellectual developmental disorder, X-linked syndromic, Snijders Blok type. Identifiers: Orphanet 457260, MedGen C5393299, MONDO:0010497, OMIM 300958.

Submissions (2):

GeneDx
Classification: Pathogenic. Last evaluated: 2019-08-28. Review status: criteria provided, single submitter. Criteria: GeneDx Variant Classification Process June 2021. Collection method: clinical testing. Allele origin: germline. Affected: yes.
Comment: Frameshift variant predicted to result in protein truncation or nonsense mediated decay in a gene for which loss-of-function is a known mechanism of disease; Not observed in large population cohorts (Lek et al., 2016); Has not been previously published as pathogenic or benign to our knowledge

Geisinger Autism and Developmental Medicine Institute, Geisinger Health System
Classification: Pathogenic for Intellectual disability, X-linked 102. Last evaluated: 2017-06-06. Review status: criteria provided, single submitter. Criteria: ACMG Guidelines, 2015. Collection method: provider interpretation, clinical testing. Allele origin: de novo. Affected: yes. Observed: 1 variant allele.
Comment: The variant is absent from the gnomAD database, and it was found to be de novo (with maternity and paternity confirmed). It is predicted to result in a frameshift and a premature protein truncation leading to loss of function. Clinical correlation with previously reported females with loss of function DDX3X variants was considered good.

NM_001356.5(DDX3X):c.255del (p.Phe85fs)

Gene: DDX3X (DEAD-box helicase 3 X-linked; plus strand). Cytogenetic location: Xp11.4.
Variant type: Deletion.
Coding change: c.255del on transcript NM_001356.5 (MANE Select); coding-DNA position 255, one base deleted (C; older notation c.255delC).
Protein change: p.Phe85fs; shifts the reading frame from phenylalanine 85.
Molecular consequence: frameshift variant. On other transcripts: 5 prime UTR variant (1), non-coding transcript variant (1).
Genome position (GRCh38, 1-based): chrX:41,341,587, C deleted. VCF-style (leftmost placement, unchanged base first): chrX-41341586-TC-T. GRCh37 (hg19) VCF-style: chrX-41200839-TC-T.
Other names: c.255del, p.Phe85fs (NM_001193416.3); c.207del, p.Phe69fs (NM_001193417.3); c.-304del (NM_001363819.1); c.255delC (NM_001193416.1); short protein forms F69fs, F85fs.
Identifiers: ClinVar variation 429287 (VCV000429287.5), dbSNP rs1131691299, ClinGen allele CA645369752.